The following is an entry in ClinVar:

NM_003072.5(SMARCA4):c.2932C>G (p.Arg978Gly)

Gene: SMARCA4 (SWI/SNF related, matrix associated, actin dependent regulator of chromatin, subfamily a, member 4; plus strand). Cytogenetic location: 19p13.2.
Variant type: single nucleotide variant.
Coding change: c.2932C>G on transcript NM_003072.5 (MANE Select); coding-DNA position 2932, C replaced by G.
Protein change: p.Arg978Gly; replaces arginine 978 with glycine.
Molecular consequence: missense variant. On other transcripts: non-coding transcript variant (1).
Genome position (GRCh38, 1-based): chr19:11,023,590, C>G. VCF-style: chr19-11023590-C-G. GRCh37 (hg19) VCF-style: chr19-11134266-C-G.
Other names: c.2932C>G, p.Arg978Gly (NM_001128844.3, NM_001128845.2, NM_001128846.2 and 5 more transcripts); short protein forms R978G.
Identifiers: ClinVar variation 423132 (VCV000423132.2), dbSNP rs1064796254, ClinGen allele CA16620732.

ClinVar aggregate classification (germline): Likely pathogenic (1 of 4 stars; one submission).

Submission:

GeneDx
Classification: Likely pathogenic. Last evaluated: 2017-01-25. Review status: criteria provided, single submitter. Criteria: GeneDx Variant Classification (06012015). Collection method: clinical testing. Allele origin: germline. Affected: yes.
Comment: The R978G variant in the SMARCA4 gene has not been reported previously as a pathogenic variant, nor as a benign variant, to our knowledge. This variant is not observed in large population cohorts (Lek et al., 2016; 1000 Genomes Consortium et al., 2015; Exome Variant Server). The R978G variant is a non-conservative amino acid substitution, which is likely to impact secondary protein structure as these residues differ in polarity, charge, size and/or other properties. This substitution occurs at a position that is conserved across species, and in silico analysis predicts this variant is probably damaging to the protein structure/function. The R978G variant is a strong candidate for a pathogenic variant. However, the possibility it may be a rare benign variant cannot be excluded.